The following is an entry in ClinVar:

ClinVar aggregate classification (germline): Benign. Review status: criteria provided, single submitter (1 of 4 stars). 2 submissions from 2 submitters: Benign (1). 1 of the submissions does not count toward it. Last evaluated 2026-05-01.

Conditions:
DNAH17-related disorder. Also called: DNAH17-related condition.

Allele frequency attached by ClinVar (database versions not stated): 1000 Genomes Project 30x 0.00297; 1000 Genomes Project 0.00339; TOPMed 0.00708; gnomAD 0.00730; ESP Exome Variant Server 0.00792; gnomAD exomes 0.00977; ExAC 0.01074.

Submissions (2):

CeGaT Center for Human Genetics Tuebingen
Classification: Benign. Last evaluated: 2026-05-01. Review status: criteria provided, single submitter. Criteria: CeGaT Center For Human Genetics Tuebingen Variant Classification Criteria Version 2. Collection method: clinical testing. Allele origin: germline. Affected: yes. Observed: 6 variant alleles.
Comment: DNAH17: BP4, BS1, BS2

PreventionGenetics, part of Exact Sciences
Classification: Benign for DNAH17-related condition. Last evaluated: 2019-02-26. Review status: no assertion criteria provided. Collection method: clinical testing. Allele origin: germline. Not counted in ClinVar's aggregate classification.
Comment: This variant is classified as benign based on ACMG/AMP sequence variant interpretation guidelines (Richards et al. 2015 PMID: 25741868, with internal and published modifications).

NM_173628.4(DNAH17):c.10406+4T>C

Gene: DNAH17 (dynein axonemal heavy chain 17; minus strand). Cytogenetic location: 17q25.3.
Variant type: single nucleotide variant.
Coding change: c.10406+4T>C on transcript NM_173628.4 (MANE Select); 4 bases into the intron after coding-DNA position 10406, T replaced by C.
Molecular consequence: intron variant.
Genome position (GRCh38, 1-based): chr17:78,454,466, A>G on the plus strand (T>C on the coding strand, the complement: DNAH17 is on the minus strand). VCF-style: chr17-78454466-A-G. GRCh37 (hg19) VCF-style: chr17-76450548-A-G.
Other names: c.10406+4T>C (NM_173628.3).
Identifiers: ClinVar variation 2498724 (VCV002498724.29), dbSNP rs187963684, ClinGen allele CA8800888.